The following is an entry in ClinVar:

ClinVar aggregate classification (germline): Uncertain significance. Review status: criteria provided, multiple submitters, no conflicts (2 of 4 stars). 2 submissions from 2 submitters: Uncertain significance (2). Last evaluated 2025-10-08.

Conditions:
TOP3B-related neurodevelopmental condition.

Submissions (2):

Applied Translational Genetics Group, University of Auckland
Classification: Uncertain significance for TOP3B-related neurodevelopmental condition. Last evaluated: 2025-10-08. Review status: criteria provided, single submitter. Criteria: ACMG Guidelines, 2015. Collection method: research. Allele origin: maternal. Inheritance: Autosomal recessive inheritance. Affected: yes. Observed: 1 compound heterozygote.
Comment: NM_001282112.2:c.2510G>A is a missense mutation in the gene TOP3B that results in the substitution of arginine (a large charged hydrophylic amino acid) for glutamine (a medium uncharged hydrophylic amino acid) at position 837. TOP3B has been linked to multiple neurological disorders, including schizophrenia (PMID: 28039324), autism (PMID: 23912948), and intellectual disability (PMID: 23912945). In-silico prediction aggregation tool Revel classifies the variant as Benign (Moderate) (0.12) (BP4). The variant has extremely low frequncy in the gnomAD population database (max subpopulation frequency 0.026%), as would be expected for a rare genetic condition (PM2). This variant was considered as a potential compound heterozygous variant along with NM_001282112.2:c.2141G>A. In summary, this variant meets criteria to be classified as a variant of unknown significance for TOP3B-related neurodevelopmental condition based on the ACMG/AMP criteria applied: PM2, BP4

Ambry Genetics
Classification: Uncertain significance. Last evaluated: 2024-05-24. Review status: criteria provided, single submitter. Criteria: Ambry Variant Classification Scheme 2023. Collection method: clinical testing. Allele origin: germline.

Literature cited by the submitters: PubMed 40756852 (cited by Applied Translational Genetics Group, University of Auckland).

NM_001282112.2(TOP3B):c.2510G>A (p.Arg837Gln)

Gene: TOP3B (DNA topoisomerase III beta; minus strand). Cytogenetic location: 22q11.22.
Variant type: single nucleotide variant.
Coding change: c.2510G>A on transcript NM_001282112.2 (MANE Select); coding-DNA position 2510, G replaced by A.
Protein change: p.Arg837Gln; replaces arginine 837 with glutamine.
Molecular consequence: missense variant. On other transcripts: 3 prime UTR variant (2), non-coding transcript variant (1).
Genome position (GRCh38, 1-based): chr22:21,957,193, C>T on the plus strand (G>A on the coding strand, the complement: TOP3B is on the minus strand). VCF-style: chr22-21957193-C-T. GRCh37 (hg19) VCF-style: chr22-22311565-C-T.
Other names: c.2510G>A, p.Arg837Gln (NM_001282113.2, NM_001349845.2, NM_001349847.2 and 1 more transcripts); c.2102G>A, p.Arg701Gln (NM_001349848.2, NM_001349850.2); c.*1213G>A (NM_001349851.2, NM_001349852.2); short protein forms R837Q, R701Q.
Identifiers: ClinVar variation 3328068 (VCV003328068.2).
Genomic context (GRCh38, chr22:21,957,193, plus strand): 5'-AGGGCTGACATCTTGTCCTTGGGCCGTCTGGGGTTGGGCTTCCCAGGGGGCCTCCTGGCC[C>T]GGCCCCGCCCTCGACCCTGCCTTCTCCCTGGTCCACCGCGGTGCATGGGGTGGCAGGAGG-3'
Protein context (NP_001269041.1, residues 827-847): PGRRQGRGRG[Arg837Gln]ARRPPGKPNP